The following is an entry in ClinVar:

NM_001042492.3(NF1):c.5606T>G (p.Leu1869Ter)

Gene: NF1 (neurofibromin 1; plus strand). Cytogenetic location: 17q11.2.
Variant type: single nucleotide variant.
Coding change: c.5606T>G on transcript NM_001042492.3 (MANE Select); coding-DNA position 5606, T replaced by G.
Protein change: p.Leu1869Ter; replaces leucine 1869 with a stop codon.
Molecular consequence: nonsense.
Genome position (GRCh38, 1-based): chr17:31,327,836, T>G. VCF-style: chr17-31327836-T-G. GRCh37 (hg19) VCF-style: chr17-29654854-T-G.
Other names: c.5543T>G, p.Leu1848Ter (NM_000267.4); short protein forms L1848*, L1869*.
Identifiers: ClinVar variation 661533 (VCV000661533.47), dbSNP rs1597832482, ClinGen allele CA399010071.

ClinVar aggregate classification (germline): Pathogenic. Review status: criteria provided, multiple submitters, no conflicts (2 of 4 stars). 5 submissions from 5 submitters: Pathogenic (5). Last evaluated 2025-04-29.

Conditions:
Neurofibromatosis, type 1 (NF1). Also called: VON RECKLINGHAUSEN DISEASE; NEUROFIBROMATOSIS, TYPE I, SOMATIC; Peripheral type neurofibromatosis; Neurofibromatosis, type I. Identifiers: Orphanet 636, MedGen C0027831, MONDO:0018975, OMIM 162200. Disease mechanism: loss of function.

Submissions (5):

Molecular Pathology, Peter Maccallum Cancer Centre
Classification: Pathogenic for Neurofibromatosis, type 1. Last evaluated: 2025-04-29. Review status: criteria provided, single submitter. Criteria: ACMG Guidelines, 2015. Collection method: clinical testing. Allele origin: germline. Inheritance: Autosomal dominant inheritance.

GeneDx
Classification: Pathogenic. Last evaluated: 2024-05-02. Review status: criteria provided, single submitter. Criteria: GeneDx Variant Classification Process June 2021. Collection method: clinical testing. Allele origin: germline. Affected: yes.
Comment: Nonsense variant predicted to result in protein truncation or nonsense mediated decay in a gene for which loss of function is a known mechanism of disease; Not observed at significant frequency in large population cohorts (gnomAD); Also known as p.(L1869*); This variant is associated with the following publications: (PMID: 23656349, 36612057, 31370276, 31766501, 25049390, 36980803, 27980226)

Genome-Nilou Lab
Classification: Pathogenic for Neurofibromatosis, type 1. Last evaluated: 2022-03-15. Review status: criteria provided, single submitter. Criteria: ACMG Guidelines, 2015. Collection method: clinical testing. Allele origin: germline. Affected: no.

CeGaT Center for Human Genetics Tuebingen
Classification: Pathogenic. Last evaluated: 2019-05-01. Review status: criteria provided, single submitter. Criteria: CeGaT Center For Human Genetics Tuebingen Variant Classification Criteria Version 2. Collection method: clinical testing. Allele origin: germline. Affected: yes. Observed: 1 variant allele.

Labcorp Genetics (formerly Invitae), Labcorp
Classification: Pathogenic for Neurofibromatosis, type 1. Last evaluated: 2018-11-20. Review status: criteria provided, single submitter. Criteria: Invitae Variant Classification Sherloc (09022015). Collection method: clinical testing. Allele origin: germline.
Comment: For these reasons, this variant has been classified as Pathogenic. Loss-of-function variants in NF1 are known to be pathogenic (PMID: 10712197, 23913538). This variant has been reported in individuals in the Leiden Open-source Variation Database (PMID: 21520333). A different variant resulting in the same premature termination (c.5543T>A) has been observed in an individual with clinical features of neurofibromatosis type 1 (PMID: 27980226). This variant is not present in population databases (ExAC no frequency). This sequence change creates a premature translational stop signal (p.Leu1848*) in the NF1 gene. It is expected to result in an absent or disrupted protein product.

Literature cited by the submitters: PubMed 10712197 (cited by Labcorp Genetics (formerly Invitae), Labcorp); PubMed 23913538 (cited by Labcorp Genetics (formerly Invitae), Labcorp); PubMed 21520333 (cited by Labcorp Genetics (formerly Invitae), Labcorp); PubMed 27980226 (cited by Labcorp Genetics (formerly Invitae), Labcorp).